The following is an entry in ClinVar:

ClinVar aggregate classification (germline): Likely benign. Review status: criteria provided, multiple submitters, no conflicts (2 of 4 stars). 3 submissions from 3 submitters: Likely benign (3). Last evaluated 2025-11-15.

Conditions:
Saldino-Mainzer syndrome (SRTD9). Also called: Renal dysplasia, retinal pigmentary dystrophy, cerebellar ataxia and skeletal dysplasia; short-rib thoracic dysplasia 9 with or without polydactyly; CONORENAL SYNDROME; SHORT-RIB THORACIC DYSPLASIA 9 WITHOUT POLYDACTYLY. Identifiers: Orphanet 140969, MedGen C1849437, MONDO:0009964, OMIM 266920.

Allele frequency attached by ClinVar (database versions not stated): gnomAD 0.00001 and 0.00005; 1000 Genomes Project 30x 0.00031; 1000 Genomes Project 0.00040.
gnomAD v4.1: 62 of 1,613,908 alleles (0.0038%); highest among the groups gnomAD compares: Middle Eastern, 0.033%; no homozygotes.

Submissions (3):

Labcorp Genetics (formerly Invitae), Labcorp
Classification: Likely benign for Saldino-Mainzer syndrome. Last evaluated: 2025-11-15. Review status: criteria provided, single submitter. Criteria: Invitae Variant Classification Sherloc (09022015). Collection method: clinical testing. Allele origin: germline.

CeGaT Center for Human Genetics Tuebingen
Classification: Likely benign. Last evaluated: 2022-05-01. Review status: criteria provided, single submitter. Criteria: CeGaT Center For Human Genetics Tuebingen Variant Classification Criteria Version 2. Collection method: clinical testing. Allele origin: germline. Affected: yes. Observed: 1 variant allele.
Comment: IFT140: BP4, BP7

Blueprint Genetics
Classification: Likely benign. Last evaluated: 2021-12-10. Review status: criteria provided, single submitter. Criteria: ACMG Guidelines, 2015. Collection method: clinical testing. Allele origin: germline.

NM_014714.4(IFT140):c.849C>T (p.Ile283=)

Genes: IFT140 (intraflagellar transport 140; minus strand), LOC105371046 (uncharacterized LOC105371046; plus strand). Cytogenetic location: 16p13.3.
Variant type: single nucleotide variant.
Coding change: c.849C>T on transcript NM_014714.4 (MANE Select); coding-DNA position 849, C replaced by T.
Protein change: p.Ile283=; no amino-acid change (isoleucine 283 retained).
Molecular consequence: synonymous variant.
Genome position (GRCh38, 1-based): chr16:1,587,986, G>A on the plus strand (C>T on the coding strand, the complement: IFT140 is on the minus strand). VCF-style: chr16-1587986-G-A. GRCh37 (hg19) VCF-style: chr16-1637987-G-A.
Identifiers: ClinVar variation 1077936 (VCV001077936.33), dbSNP rs563162000, ClinGen allele CA7814532.
Genomic context (GRCh38, chr16:1,587,986, plus strand): 5'-CTCTCACCTGAGGGCAGCCTCCCCGACGGCCATCACGAGAAGGCTGCCTTCAATCAAAGC[G>A]ATGTCTGCCCGGCGGCCGGTTTTCCCGCTCAGCTTGACCTGTGTGAGGAAACAACCGAGC-3'
Protein context (NP_055529.2, residues 273-293): LSGKTGRRAD[Ile283=]ALIEGSLLVM